The following is an entry in ClinVar:

NM_201384.3(PLEC):c.2012A>T (p.Lys671Met)

Gene: PLEC (plectin; minus strand). Cytogenetic location: 8q24.3.
Variant type: single nucleotide variant.
Coding change: c.2012A>T on transcript NM_201384.3 (MANE Select); coding-DNA position 2012, A replaced by T.
Protein change: p.Lys671Met; replaces lysine 671 with methionine.
Molecular consequence: missense variant.
Genome position (GRCh38, 1-based): chr8:143,932,200, T>A on the plus strand (A>T on the coding strand, the complement: PLEC is on the minus strand). VCF-style: chr8-143932200-T-A. GRCh37 (hg19) VCF-style: chr8-145006368-T-A.
Other names: c.2093A>T (NM_000445.3); c.2093A>T, p.Lys698Met (NM_000445.5); c.1970A>T, p.Lys657Met (NM_201378.4); c.1946A>T, p.Lys649Met (NM_201379.3); c.2423A>T, p.Lys808Met (NM_201380.4); c.1916A>T, p.Lys639Met (NM_201381.3); c.2012A>T, p.Lys671Met (NM_201382.4); c.2024A>T, p.Lys675Met (NM_201383.3); short protein forms K649M, K657M, K808M, K639M, K671M, K698M, K675M.
Identifiers: ClinVar variation 655349 (VCV000655349.7), dbSNP rs782320963, ClinGen allele CA4927732.

ClinVar aggregate classification (germline): Uncertain significance. Review status: criteria provided, multiple submitters, no conflicts (2 of 4 stars). 2 submissions from 2 submitters: Uncertain significance (2). Last evaluated 2025-11-19.

Conditions:
Epidermolysis bullosa simplex 5C, with pyloric atresia (EBS5C). Also called: Epidermolysis bullosa simplex with pyloric atresia; PLEC-Related Epidermolysis Bullosa with Pyloric Atresia; PLEC1-Related Epidermolysis Bullosa with Pyloric Atresia. Identifiers: Orphanet 158684, MedGen C2677349, MONDO:0012807, OMIM 612138.
Epidermolysis bullosa simplex 5B, with muscular dystrophy (EBS5B). Also called: Epidermolysis bullosa simplex with muscular dystrophy; EPIDERMOLYSIS BULLOSA SIMPLEX AND LIMB-GIRDLE MUSCULAR DYSTROPHY. Identifiers: Orphanet 257, MedGen C2931072, MONDO:0009181, OMIM 226670.
Epidermolysis bullosa simplex, Ogna type (EBS5A). Also called: Pidermolysis bullosa simplex 5A, Ogna type; EPIDERMOLYSIS BULLOSA SIMPLEX 5A, OGNA TYPE. Identifiers: Orphanet 79401, MedGen C0432317, MONDO:0007555, OMIM 131950.
Epidermolysis bullosa simplex with nail dystrophy (EBS5D). Identifiers: MedGen C4225309, MONDO:0014661, OMIM 616487.
Autosomal recessive limb-girdle muscular dystrophy type 2Q (LGMDR17). Also called: MUSCULAR DYSTROPHY, LIMB-GIRDLE, AUTOSOMAL RECESSIVE 17. Identifiers: Orphanet 254361, MedGen C3150989, MONDO:0013390, OMIM 613723.
Inborn genetic diseases. Identifiers: MedGen C0950123, MeSH D030342.

Allele frequency attached by ClinVar (database versions not stated): ExAC below 0.00001; gnomAD below 0.00001 and 0.00001; gnomAD exomes below 0.00001 and 0.00001; TOPMed 0.00001.
gnomAD v4.1: 13 of 1,612,124 alleles (0.00081%); highest among the groups gnomAD compares: African/African-American, 0.0027%; no homozygotes.

Submissions (2):

Ambry Genetics
Classification: Uncertain significance for Inborn genetic diseases. Last evaluated: 2025-11-19. Review status: criteria provided, single submitter. Criteria: Ambry Variant Classification Scheme 2023. Collection method: clinical testing. Allele origin: germline.

Labcorp Genetics (formerly Invitae), Labcorp
Classification: Uncertain significance for Autosomal recessive limb-girdle muscular dystrophy type 2Q; Epidermolysis bullosa simplex, Ogna type; Epidermolysis bullosa simplex with nail dystrophy; Epidermolysis bullosa simplex 5C, with pyloric atresia; Epidermolysis bullosa simplex 5B, with muscular dystrophy. Last evaluated: 2025-06-04. Review status: criteria provided, single submitter. Criteria: Invitae Variant Classification Sherloc (09022015). Collection method: clinical testing. Allele origin: germline.
Comment: This sequence change replaces lysine, which is basic and polar, with methionine, which is neutral and non-polar, at codon 698 of the PLEC protein (p.Lys698Met). This variant is present in population databases (rs782320963, gnomAD 0.007%). This variant has not been reported in the literature in individuals affected with PLEC-related conditions. ClinVar contains an entry for this variant (Variation ID: 655349). Invitae Evidence Modeling of protein sequence and biophysical properties (such as structural, functional, and spatial information, amino acid conservation, physicochemical variation, residue mobility, and thermodynamic stability) indicates that this missense variant is not expected to disrupt PLEC protein function with a negative predictive value of 80%. In summary, the available evidence is currently insufficient to determine the role of this variant in disease. Therefore, it has been classified as a Variant of Uncertain Significance.